The following is an entry in ClinVar:

ClinVar aggregate classification (germline): Uncertain significance. Review status: criteria provided, multiple submitters, no conflicts (2 of 4 stars). 2 submissions from 2 submitters: Uncertain significance (2). Last evaluated 2025-12-24.

Allele frequency attached by ClinVar (database versions not stated): TOPMed 0.00005; gnomAD exomes 0.00009; ExAC 0.00002; gnomAD 0.00004.

Submissions (2):

Labcorp Genetics (formerly Invitae), Labcorp
Classification: Uncertain significance. Last evaluated: 2025-12-24. Review status: criteria provided, single submitter. Criteria: Invitae Variant Classification Sherloc (09022015). Collection method: clinical testing. Allele origin: germline.
Comment: This sequence change replaces aspartic acid, which is acidic and polar, with glycine, which is neutral and non-polar, at codon 191 of the CYP7A1 protein (p.Asp191Gly). This variant is present in population databases (rs776702193, gnomAD 0.005%). This variant has not been reported in the literature in individuals affected with CYP7A1-related conditions. ClinVar contains an entry for this variant (Variation ID: 3079768). Invitae Evidence Modeling of protein sequence and biophysical properties (such as structural, functional, and spatial information, amino acid conservation, physicochemical variation, residue mobility, and thermodynamic stability) indicates that this missense variant is not expected to disrupt CYP7A1 protein function with a negative predictive value of 80%. In summary, the available evidence is currently insufficient to determine the role of this variant in disease. Therefore, it has been classified as a Variant of Uncertain Significance.

Ambry Genetics
Classification: Uncertain significance. Last evaluated: 2023-10-17. Review status: criteria provided, single submitter. Criteria: Ambry Variant Classification Scheme 2023. Collection method: clinical testing. Allele origin: germline.

NM_000780.4(CYP7A1):c.572A>G (p.Asp191Gly)

Gene: CYP7A1 (cytochrome P450 family 7 subfamily A member 1; minus strand). Cytogenetic location: 8q12.1.
Variant type: single nucleotide variant.
Coding change: c.572A>G on transcript NM_000780.4 (MANE Select); coding-DNA position 572, A replaced by G.
Protein change: p.Asp191Gly; replaces aspartic acid 191 with glycine.
Molecular consequence: missense variant.
Genome position (GRCh38, 1-based): chr8:58,496,940, T>C on the plus strand (A>G on the coding strand, the complement: CYP7A1 is on the minus strand). VCF-style: chr8-58496940-T-C. GRCh37 (hg19) VCF-style: chr8-59409499-T-C.
Other names: short protein forms D191G.
Identifiers: ClinVar variation 3079768 (VCV003079768.3), dbSNP rs776702193, ClinGen allele CA4756778.